The following is an entry in ClinVar:

ClinVar aggregate classification (germline): Benign (1 of 4 stars; one submission).

Submission:

GeneDx
Classification: Benign. Last evaluated: 2018-06-16. Review status: criteria provided, single submitter. Criteria: GeneDx Variant Classification (06012015). Collection method: clinical testing. Allele origin: germline. Affected: yes.
Comment: This variant is considered likely benign or benign based on one or more of the following criteria: it is a conservative change, it occurs at a poorly conserved position in the protein, it is predicted to be benign by multiple in silico algorithms, and/or has population frequency not consistent with disease.

NM_004130.4(GYG1):c.482-213_482-210del

Gene: GYG1 (glycogenin 1; plus strand). Cytogenetic location: 3q24.
Variant type: Deletion.
Coding change: c.482-213_482-210del on transcript NM_004130.4 (MANE Select); 213 bases into the intron before coding-DNA position 482 through 210 bases into the intron before coding-DNA position 482, 4 bases deleted (ACAG; older notation c.482-213_482-210delACAG).
Molecular consequence: intron variant.
Genome position (GRCh38, 1-based): chr3:149,009,063-149,009,066, ACAG deleted; deleting any 4 consecutive bases within chr3:149,009,061-149,009,066 gives the same sequence; the c. name uses the placement nearest the transcript's 3' end. VCF-style (leftmost placement, unchanged base first): chr3-149009060-TAGAC-T. GRCh37 (hg19) VCF-style: chr3-148726847-TAGAC-T.
Other names: c.482-213_482-210del (NM_001184720.2, NM_001184721.2).
Identifiers: ClinVar variation 679565 (VCV000679565.1), dbSNP rs34724217, ClinGen allele CA85504153.